The following is an entry in ClinVar:

NM_001378615.1(CC2D2A):c.111A>T (p.Pro37=)

Genes: CC2D2A (coiled-coil and C2 domain containing 2A; plus strand), FBXL5 (F-box and leucine rich repeat protein 5; minus strand). Cytogenetic location: 4p15.32.
Variant type: single nucleotide variant.
Coding change: c.111A>T on transcript NM_001378615.1 (MANE Select); coding-DNA position 111, A replaced by T.
Protein change: p.Pro37=; no amino-acid change (proline 37 retained).
Molecular consequence: synonymous variant.
Genome position (GRCh38, 1-based): chr4:15,478,794, A>T. VCF-style: chr4-15478794-A-T. GRCh37 (hg19) VCF-style: chr4-15480418-A-T.
Other names: c.111A>T, p.Pro37= (NM_001080522.2, NM_001164720.3, NM_020785.2).
Identifiers: ClinVar variation 2929358 (VCV002929358.4), dbSNP rs1714412011, ClinGen allele CA438382359.

ClinVar aggregate classification (germline): Likely benign. Review status: criteria provided, multiple submitters, no conflicts (2 of 4 stars). 2 submissions from 2 submitters: Likely benign (2). Last evaluated 2026-08-31.

Conditions:
Joubert syndrome. Also called: JOUBERT-BOLTSHAUSER SYNDROME; Familial aplasia of the vermis. Identifiers: Orphanet 475, MedGen C5979921, MONDO:0018772.
Meckel-Gruber syndrome. Also called: DYSENCEPHALIA SPLANCHNOCYSTICA; GRUBER SYNDROME; Dysencephalia splachnocystica. Identifiers: Orphanet 564, MedGen C0265215, MONDO:0018921.
CC2D2A-related disorder. Also called: CC2D2A-related condition; CC2D2A-related disorders. Identifiers: MedGen CN239313.

Submissions (2):

PreventionGenetics, part of Exact Sciences
Classification: Likely benign for CC2D2A-related condition. Last evaluated: 2026-08-31. Review status: criteria provided, single submitter. Criteria: ACMG Guidelines, 2015. Collection method: clinical testing. Allele origin: germline.
Comment: This variant is classified as likely benign based on ACMG/AMP sequence variant interpretation guidelines (Richards et al. 2015 PMID: 25741868, with internal and published modifications).

Labcorp Genetics (formerly Invitae), Labcorp
Classification: Likely benign for Joubert syndrome; Meckel-Gruber syndrome. Last evaluated: 2023-12-31. Review status: criteria provided, single submitter. Criteria: Invitae Variant Classification Sherloc (09022015). Collection method: clinical testing. Allele origin: germline.